The following is an entry in ClinVar:

NM_007294.4(BRCA1):c.4987-9T>A

Gene: BRCA1 (BRCA1 DNA repair associated; minus strand). Cytogenetic location: 17q21.31.
Variant type: single nucleotide variant.
Coding change: c.4987-9T>A on transcript NM_007294.4 (MANE Select); 9 bases into the intron before coding-DNA position 4987, T replaced by A.
Molecular consequence: intron variant.
Genome position (GRCh38, 1-based): chr17:43,067,704, A>T on the plus strand (T>A on the coding strand, the complement: BRCA1 is on the minus strand). VCF-style: chr17-43067704-A-T. GRCh37 (hg19) VCF-style: chr17-41219721-A-T.
Other names: c.1534-9T>A (NM_001408458.1, NM_001408461.1, NM_001408464.1 and 7 more transcripts); c.4096-9T>A (NM_001407967.1); c.4606-9T>A (NM_001407959.1); c.4720-9T>A (NM_001407931.1, NM_001407932.1, NM_001407928.1 and 4 more transcripts); c.4843-9T>A (NM_001407747.1, NM_001407745.1, NM_001407737.1 and 21 more transcripts); c.4603-9T>A (NM_001407962.1, NM_001407960.1); c.1174-9T>A (NM_001408512.1); c.1297-9T>A (NM_001408510.1); and 71 more.
Identifiers: ClinVar variation 868090 (VCV000868090.3), dbSNP rs2052193720, ClinGen allele CA916080176.

Conditions:
Breast-ovarian cancer, familial, susceptibility to, 1 (BROVCA1). Also called: BRCA1 Hereditary Breast and Ovarian Cancer; OVARIAN CANCER, SUSCEPTIBILITY TO. Identifiers: Orphanet 145, MedGen C2676676, MONDO:0011450, OMIM 604370. Disease mechanism: loss of function.

Submission:

Brotman Baty Institute, University of Washington
No classification provided (evidence only). Condition: Breast-ovarian cancer, familial 1. Review status: no classification provided. Collection method: in vitro. Allele origin: not applicable. Functional consequence: function_uncertain_variant.
ClinVar note: "not provided" was previously submitted as the classification for the variant. However, the classification appeared to be based only on an observation of functional data so it was converted to no classification on 2025-07-30.